The following is an entry in ClinVar:

NM_170707.4(LMNA):c.454C>T (p.Leu152Phe)

Genes: LMNA (lamin A/C; plus strand), LOC126805877 (MED14-independent group 3 enhancer GRCh37_chr1:156099693-156100892; plus strand). Cytogenetic location: 1q22.
Variant type: single nucleotide variant.
Coding change: c.454C>T on transcript NM_170707.4 (MANE Select); coding-DNA position 454, C replaced by T.
Protein change: p.Leu152Phe; replaces leucine 152 with phenylalanine.
Molecular consequence: missense variant. On other transcripts: 5 prime UTR variant (7), intron variant (4).
Genome position (GRCh38, 1-based): chr1:156,130,714, C>T. VCF-style: chr1-156130714-C-T. GRCh37 (hg19) VCF-style: chr1-156100505-C-T.
Other names: c.118C>T, p.Leu40Phe (NM_001257374.3, NM_001406989.1, NM_001406998.1); c.211C>T, p.Leu71Phe (NM_001282624.2, NM_001406986.1, NM_001406987.1); c.454C>T, p.Leu152Phe (NM_001282625.2, NM_001282626.2, NM_001406983.1 and 6 more transcripts); c.157C>T, p.Leu53Phe (NM_001406988.1); c.-105C>T (NM_001406993.1, NM_001406996.1, NM_001406997.1 and 1 more transcripts); c.-211C>T (NM_001406994.1, NM_001406999.1, NM_001407000.1); c.-45-3689C>T (NM_001407002.1, NM_001406995.1, NM_001406990.1); c.-151-3689C>T (NM_001407001.1); short protein forms L152F, L40F, L53F, L71F.
Identifiers: ClinVar variation 3345776 (VCV003345776.1).

ClinVar aggregate classification (germline): Uncertain significance (0 of 4 stars; one submission).

Conditions:
LMNA-related disorder. Also called: LMNA-related disorders; LMNA-related condition; LMNA-related disease. Identifiers: MedGen CN380145.

Submission:

PreventionGenetics, part of Exact Sciences
Classification: Uncertain significance for LMNA-related condition. Last evaluated: 2024-07-15. Review status: no assertion criteria provided. Collection method: clinical testing. Allele origin: germline.
Comment: The LMNA c.454C>T variant is predicted to result in the amino acid substitution p.Leu152Phe. To our knowledge, this variant has not been reported in the literature or in a large population database, indicating this variant is rare. At this time, the clinical significance of this variant is uncertain due to the absence of conclusive functional and genetic evidence.